The following is an entry in ClinVar:

NM_213599.3(ANO5):c.2173C>A (p.His725Asn)

Gene: ANO5 (anoctamin 5; plus strand). Cytogenetic location: 11p14.3.
Variant type: single nucleotide variant.
Coding change: c.2173C>A on transcript NM_213599.3 (MANE Select); coding-DNA position 2173, C replaced by A.
Protein change: p.His725Asn; replaces histidine 725 with asparagine.
Molecular consequence: missense variant.
Genome position (GRCh38, 1-based): chr11:22,272,927, C>A. VCF-style: chr11-22272927-C-A. GRCh37 (hg19) VCF-style: chr11-22294473-C-A.
Other names: c.2170C>A, p.His724Asn (NM_001142649.2); c.2131C>A, p.His711Asn (NM_001410963.1); c.2128C>A, p.His710Asn (NM_001410964.1); short protein forms H711N, H710N, H724N, H725N.
Identifiers: ClinVar variation 2950130 (VCV002950130.3), dbSNP rs2494376896, ClinGen allele CA379923929.

ClinVar aggregate classification (germline): Uncertain significance (1 of 4 stars; one submission).

Conditions:
Gnathodiaphyseal dysplasia (GDD). Also called: GNATHODIAPHYSEAL SCLEROSIS; OSTEOGENESIS IMPERFECTA WITH UNUSUAL SKELETAL LESIONS. Identifiers: Orphanet 53697, MedGen C1833736, MONDO:0008151, OMIM 166260.
Autosomal recessive limb-girdle muscular dystrophy type 2L (LGMDR12). Also called: MUSCULAR DYSTROPHY, LIMB-GIRDLE, AUTOSOMAL RECESSIVE 12; Limb-girdle muscular dystrophy, type 2L; Limb-Girdle Muscular Dystrophy R12 Anoctamin-5-Related (LGMD-R12). Identifiers: Orphanet 206549, MedGen C1969785, MONDO:0012652, OMIM 611307.

Submission:

Labcorp Genetics (formerly Invitae), Labcorp
Classification: Uncertain significance for Autosomal recessive limb-girdle muscular dystrophy type 2L; Gnathodiaphyseal dysplasia. Last evaluated: 2023-07-19. Review status: criteria provided, single submitter. Criteria: Invitae Variant Classification Sherloc (09022015). Collection method: clinical testing. Allele origin: germline.
Comment: Advanced modeling of protein sequence and biophysical properties (such as structural, functional, and spatial information, amino acid conservation, physicochemical variation, residue mobility, and thermodynamic stability) has been performed at Invitae for this missense variant, however the output from this modeling did not meet the statistical confidence thresholds required to predict the impact of this variant on ANO5 protein function. In summary, the available evidence is currently insufficient to determine the role of this variant in disease. Therefore, it has been classified as a Variant of Uncertain Significance. This variant has not been reported in the literature in individuals affected with ANO5-related conditions. This variant is not present in population databases (gnomAD no frequency). This sequence change replaces histidine, which is basic and polar, with asparagine, which is neutral and polar, at codon 725 of the ANO5 protein (p.His725Asn).